The following is an entry in ClinVar:

ClinVar aggregate classification (germline): Benign (0 of 4 stars; one submission).

Conditions:
SATL1-related disorder. Also called: SATL1-related condition.

Allele frequency attached by ClinVar (database versions not stated): ESP Exome Variant Server 0.71599; TOPMed 0.71713; 1000 Genomes Project 0.75709; 1000 Genomes Project 30x 0.76150.

Submission:

PreventionGenetics, part of Exact Sciences
Classification: Benign for SATL1-related condition. Last evaluated: 2019-10-16. Review status: no assertion criteria provided. Collection method: clinical testing. Allele origin: germline.
Comment: This variant is classified as benign based on ACMG/AMP sequence variant interpretation guidelines (Richards et al. 2015 PMID: 25741868, with internal and published modifications).

NM_001367857.2(SATL1):c.835T>C (p.Trp279Arg)

Gene: SATL1 (spermidine/spermine N1-acetyl transferase like 1; minus strand). Cytogenetic location: Xq21.1.
Variant type: single nucleotide variant.
Coding change: c.835T>C on transcript NM_001367857.2 (MANE Select); coding-DNA position 835, T replaced by C.
Protein change: p.Trp279Arg; replaces tryptophan 279 with arginine.
Molecular consequence: missense variant.
Genome position (GRCh38, 1-based): chrX:85,108,134, A>G on the plus strand (T>C on the coding strand, the complement: SATL1 is on the minus strand). VCF-style: chrX-85108134-A-G. GRCh37 (hg19) VCF-style: chrX-84363140-A-G.
Other names: c.835T>C, p.Trp279Arg (NM_001012980.2, NM_001367858.2); short protein forms W279R.
Identifiers: ClinVar variation 3059278 (VCV003059278.2), dbSNP rs10126146, ClinGen allele CA10464420.
Genomic context (GRCh38, chrX:85,108,134, plus strand): 5'-CTTGGCTCATGCTTGGTTGTTTCATGTCCACTTGGTTCATTTCATATAGGCTTGCACTCC[A>G]TTGGTTCATGTCCATTTGGTTCATACCAAGTAAGCTTGGGCTTGGCTGGATTATACCTGT-3'
Protein context (NP_001354786.1, residues 269-289): LGMNQMDMNQ[Trp279Arg]SASLYEMNQV